The following is an entry in ClinVar:

ClinVar aggregate classification (germline): Pathogenic (0 of 4 stars; one submission).

Conditions:
Steinert myotonic dystrophy syndrome (DM1). Also called: STEINERT DISEASE; Myotonic dystrophy type 1; Dystrophia myotonica type 1; Steinert myotonic dystrophy; Steinert's disease. Identifiers: Orphanet 273, MedGen C3250443, MONDO:0008056, OMIM 160900.

Submission:

Institute of Molecular, Cell and Systems Biology, University of Glasgow
Classification: Pathogenic for Steinert myotonic dystrophy syndrome. Review status: no assertion criteria provided. Criteria: research. Collection method: research. Allele origin: germline. Inheritance: Autosomal dominant inheritance. Affected: yes. Observed: 1 heterozygote.
Comment: DMPK CTG repeat expansions greater than approximately 45-50 repeats are assumed to be pathogenic

This record is based on data published in PubMed 25052313, which reports only ClinVar accessions SCV000120188 and SCV000120189. The complete data set includes SCV000207445 - SCV000207579.

Literature cited by the submitters: PubMed 1346923; PubMed 1546326; PubMed 25052313.

NM_004409.5(DMPK):c.*224CTG[281]

Genes: DM1-AS (DM1 locus antisense RNA; plus strand), DMPK (DM1 protein kinase; minus strand), LOC107075317 (origin of replication in DMPK trinucleotide repeat region; plus strand), LOC109461477 (dystrophia myotonica protein kinase repeat instability region; plus strand). Cytogenetic location: 19q13.32.
Variant type: Microsatellite.
Coding change: c.*224CTG[281] on transcript NM_004409.5 (MANE Select); 281 copies in a row of the 3-base unit CTG starting at c.*224.
Molecular consequence: 3 prime UTR variant.
Genome position: GRCh38, VCF-style position (the base before the change): chr19:45,770,204. GRCh37 (hg19), VCF-style position (the base before the change): chr19:46,273,462.
Other names: DM1 CTG repeat expansion; c.*224CTG[281] (NM_001081560.3, NM_001288764.2, NM_001424165.1 and 1 more transcripts); c.*217CTG[281] (NM_001081562.3, NM_001288765.2, NM_001424162.1 and 2 more transcripts); c.*222_*224TGC[281] (NM_001081563.3); c.*369CTG[281] (NM_001288766.2, NM_001424164.1, NM_001424168.1).
Identifiers: ClinVar variation 187953 (VCV000187953.1), ClinGen allele CA915951752.